The following is an entry in ClinVar:

NM_001394998.1(TANC2):c.3765+2T>C

Genes: TANC2 (tetratricopeptide repeat, ankyrin repeat and coiled-coil containing 2; plus strand), LOC105371856 (uncharacterized LOC105371856; minus strand). Cytogenetic location: 17q23.3.
Variant type: single nucleotide variant.
Coding change: c.3765+2T>C on transcript NM_001394998.1 (MANE Select); the canonical splice donor site of the intron after coding-DNA position 3765, T replaced by C.
Molecular consequence: splice donor variant.
Genome position (GRCh38, 1-based): chr17:63,411,688, T>C. VCF-style: chr17-63411688-T-C. GRCh37 (hg19) VCF-style: chr17-61489049-T-C.
Other names: c.3543+2T>C (NM_001411076.1, NM_025185.4, NM_025185.3).
Identifiers: ClinVar variation 1325169 (VCV001325169.7), dbSNP rs376858983, ClinGen allele CA8698069.

ClinVar aggregate classification (germline): Conflicting classifications of pathogenicity. Review status: criteria provided, conflicting classifications (1 of 4 stars). 2 submissions from 2 submitters: Likely pathogenic (1); Uncertain significance (1). Last evaluated 2023-11-14.

Conditions:
Intellectual developmental disorder with autistic features and language delay, with or without seizures. Identifiers: MedGen C5394447, MONDO:0030051, OMIM 618906.
Inborn genetic diseases. Identifiers: MedGen C0950123, MeSH D030342.

Allele frequency attached by ClinVar (database versions not stated): gnomAD exomes below 0.00001 and 0.00001; ExAC 0.00001; gnomAD 0.00001 and 0.00002; TOPMed 0.00001; 1000 Genomes Project 0.00020; 1000 Genomes Project 30x 0.00031; ESP Exome Variant Server 0.00008.
gnomAD v4.1: 6 of 1,608,556 alleles (0.00037%); highest among the groups gnomAD compares: African/African-American, 0.0067%; no homozygotes.

Submissions (2):

Revvity Omics, Revvity
Classification: Likely pathogenic for Intellectual developmental disorder with autistic features and language delay, with or without seizures. Last evaluated: 2023-11-14. Review status: criteria provided, single submitter. Criteria: ACMG Guidelines, 2015. Collection method: clinical testing. Allele origin: germline.

Ambry Genetics
Classification: Uncertain significance for Inborn genetic diseases. Last evaluated: 2022-03-25. Review status: criteria provided, single submitter. Criteria: Ambry Variant Classification Scheme 2023. Collection method: clinical testing. Allele origin: germline.
Comment: The c.3543+2T>C intronic alteration consists of a T to C substitution nucleotides after coding exon 20 in the TANC2 gene. Based on insufficient or conflicting evidence, the clinical significance of this alteration remains unclear.